The following is an entry in ClinVar:

ClinVar aggregate classification (germline): Likely benign (1 of 4 stars; one submission).

Submission:

CeGaT Center for Human Genetics Tuebingen
Classification: Likely benign. Last evaluated: 2025-09-01. Review status: criteria provided, single submitter. Criteria: CeGaT Center For Human Genetics Tuebingen Variant Classification Criteria Version 2. Collection method: clinical testing. Allele origin: germline. Affected: yes. Observed: 1 variant allele.
Comment: POLR2A: BP4, BP7

NM_000937.5(POLR2A):c.5601T>C (p.Tyr1867=)

Gene: POLR2A (RNA polymerase II subunit A; plus strand). Cytogenetic location: 17p13.1.
Variant type: single nucleotide variant.
Coding change: c.5601T>C on transcript NM_000937.5 (MANE Select); coding-DNA position 5601, T replaced by C.
Protein change: p.Tyr1867=; no amino-acid change (tyrosine 1867 retained).
Molecular consequence: synonymous variant.
Genome position (GRCh38, 1-based): chr17:7,513,867, T>C. VCF-style: chr17-7513867-T-C. GRCh37 (hg19) VCF-style: chr17-7417184-T-C.
Identifiers: ClinVar variation 4281450 (VCV004281450.7).